The following is an entry in ClinVar:

ClinVar aggregate classification (germline): Uncertain significance (1 of 4 stars; one submission).

Conditions:
Hypertrophic cardiomyopathy 19. Also called: Familial hypertrophic cardiomyopathy 19. Identifiers: MedGen CN077603, MONDO:0013476.

Submission:

Labcorp Genetics (formerly Invitae), Labcorp
Classification: Uncertain significance for Hypertrophic cardiomyopathy 19. Last evaluated: 2025-12-24. Review status: criteria provided, single submitter. Criteria: Invitae Variant Classification Sherloc (09022015). Collection method: clinical testing. Allele origin: germline.
Comment: This sequence change creates a premature translational stop signal (p.Gly269Valfs*12) in the CALR3 gene. It is expected to result in an absent or disrupted protein product. However, the current clinical and genetic evidence is not sufficient to establish whether loss-of-function variants in CALR3 cause disease. This variant is present in population databases (no rsID available, gnomAD 0.002%). This variant has not been reported in the literature in individuals affected with CALR3-related conditions. ClinVar contains an entry for this variant (Variation ID: 3717534). In summary, the available evidence is currently insufficient to determine the role of this variant in disease. Therefore, it has been classified as a Variant of Uncertain Significance.

NM_145046.5(CALR3):c.804del (p.Gly269fs)

Gene: CALR3 (calreticulin 3; minus strand). Cytogenetic location: 19p13.11.
Variant type: Deletion.
Coding change: c.804del on transcript NM_145046.5 (MANE Select); coding-DNA position 804, one base deleted (A; older notation c.804delA).
Protein change: p.Gly269fs; shifts the reading frame from glycine 269.
Molecular consequence: frameshift variant.
Genome position (GRCh38, 1-based): chr19:16,482,564, T deleted on the plus strand (A on the coding strand, the reverse complement: CALR3 is on the minus strand); the first of 2 consecutive T bases (chr19:16,482,564-16,482,565); deleting either gives the same sequence. VCF-style (leftmost placement, unchanged base first): chr19-16482563-CT-C. GRCh37 (hg19) VCF-style: chr19-16593374-CT-C.
Other names: short protein forms G269fs.
Identifiers: ClinVar variation 3717534 (VCV003717534.2).